The following is an entry in ClinVar:

ClinVar aggregate classification (germline): Likely benign (1 of 4 stars; one submission).

Allele frequency attached by ClinVar (database versions not stated): gnomAD exomes 0.00001.
gnomAD v4.1: 10 of 1,537,194 alleles (0.00065%); highest among the groups gnomAD compares: Non-Finnish European, 0.00088%; no homozygotes.

Submission:

CeGaT Center for Human Genetics Tuebingen
Classification: Likely benign. Last evaluated: 2024-04-01. Review status: criteria provided, single submitter. Criteria: CeGaT Center For Human Genetics Tuebingen Variant Classification Criteria Version 2. Collection method: clinical testing. Allele origin: germline. Affected: yes. Observed: 1 variant allele.
Comment: RERE: PM2:Supporting, BP4, BP7

NM_001042681.2(RERE):c.3192C>T (p.Thr1064=)

Gene: RERE (arginine-glutamic acid dipeptide repeats; minus strand). Cytogenetic location: 1p36.23.
Variant type: single nucleotide variant.
Coding change: c.3192C>T on transcript NM_001042681.2 (MANE Select); coding-DNA position 3192, C replaced by T.
Protein change: p.Thr1064=; no amino-acid change (threonine 1064 retained).
Molecular consequence: synonymous variant.
Genome position (GRCh38, 1-based): chr1:8,360,315, G>A on the plus strand (C>T on the coding strand, the complement: RERE is on the minus strand). VCF-style: chr1-8360315-G-A. GRCh37 (hg19) VCF-style: chr1-8420375-G-A.
Other names: c.1530C>T, p.Thr510= (NM_001042682.2); c.3192C>T, p.Thr1064= (NM_012102.4).
Identifiers: ClinVar variation 3234662 (VCV003234662.20), dbSNP rs1641507868, ClinGen allele CA416029432.
Genomic context (GRCh38, chr1:8,360,315, plus strand): 5'-CGACCCCCCCGCTATGCTGCCTCCTGAAGCCGCCGCACCAGAGCAGGGTGGCTGGGCCGA[G>A]GTGCCAGGTCCCGCCGGTGGGGTAGAGGTGGAGGGGCAGGTCGGAGGGGTGATGGGAGGA-3'
Protein context (NP_001036146.1, residues 1054-1074): STSTPPAGPG[Thr1064=]SAQPPCSGAA